The following is an entry in ClinVar:

ClinVar aggregate classification (germline): Likely benign. Review status: criteria provided, multiple submitters, no conflicts (2 of 4 stars). 3 submissions from 3 submitters: Likely benign (3). Last evaluated 2025-08-15.

Conditions:
Congenital myasthenic syndrome 8. Also called: MYASTHENIC SYNDROME, CONGENITAL, DUE TO AGRIN DEFICIENCY; Myasthenic syndrome, congenital, 8, with pre- and postsynaptic defects. Identifiers: Orphanet 590, MedGen C3808739, MONDO:0014052, OMIM 615120.

Allele frequency attached by ClinVar (database versions not stated): 1000 Genomes Project below 0.00001; ExAC 0.00023; gnomAD 0.00046 and 0.00049; TOPMed 0.00051.
gnomAD v4.1: 147 of 1,594,328 alleles (0.0092%); highest among the groups gnomAD compares: African/African-American, 0.16%; no homozygotes.

Submissions (3):

Labcorp Genetics (formerly Invitae), Labcorp
Classification: Likely benign for Congenital myasthenic syndrome 8. Last evaluated: 2025-08-15. Review status: criteria provided, single submitter. Criteria: Invitae Variant Classification Sherloc (09022015). Collection method: clinical testing. Allele origin: germline.

CeGaT Center for Human Genetics Tuebingen
Classification: Likely benign. Last evaluated: 2023-04-01. Review status: criteria provided, single submitter. Criteria: CeGaT Center For Human Genetics Tuebingen Variant Classification Criteria Version 2. Collection method: clinical testing. Allele origin: germline. Affected: yes. Observed: 1 variant allele.
Comment: AGRN: BP4, BP7

GeneDx
Classification: Likely benign. Last evaluated: 2017-11-10. Review status: criteria provided, single submitter. Criteria: GeneDx Variant Classification (06012015). Collection method: clinical testing. Allele origin: germline. Affected: yes.
Comment: This variant is considered likely benign or benign based on one or more of the following criteria: it is a conservative change, it occurs at a poorly conserved position in the protein, it is predicted to be benign by multiple in silico algorithms, and/or has population frequency not consistent with disease.

NM_198576.4(AGRN):c.4734C>T (p.Pro1578=)

Gene: AGRN (agrin; plus strand). Cytogenetic location: 1p36.33.
Variant type: single nucleotide variant.
Coding change: c.4734C>T on transcript NM_198576.4 (MANE Select); coding-DNA position 4734, C replaced by T.
Protein change: p.Pro1578=; no amino-acid change (proline 1578 retained).
Molecular consequence: synonymous variant.
Genome position (GRCh38, 1-based): chr1:1,049,785, C>T. VCF-style: chr1-1049785-C-T. GRCh37 (hg19) VCF-style: chr1-985165-C-T.
Other names: c.4734C>T, p.Pro1578= (NM_001305275.2); c.4419C>T, p.Pro1473= (NM_001364727.2).
Identifiers: ClinVar variation 513264 (VCV000513264.35), dbSNP rs186574226, ClinGen allele CA509581.